The following is an entry in ClinVar:

NM_001083961.2(WDR62):c.1043+6G>C

Gene: WDR62 (WD repeat domain 62; plus strand). Cytogenetic location: 19q13.12.
Variant type: single nucleotide variant.
Coding change: c.1043+6G>C on transcript NM_001083961.2 (MANE Select); 6 bases into the intron after coding-DNA position 1043, G replaced by C.
Molecular consequence: intron variant.
Genome position (GRCh38, 1-based): chr19:36,071,722, G>C. VCF-style: chr19-36071722-G-C. GRCh37 (hg19) VCF-style: chr19-36562624-G-C.
Other names: c.1043+6G>C (NM_173636.5, NM_001083961.1).
Identifiers: ClinVar variation 1424610 (VCV001424610.6), dbSNP rs765982883, ClinGen allele CA9395452.

ClinVar aggregate classification (germline): Uncertain significance. Review status: criteria provided, multiple submitters, no conflicts (2 of 4 stars). 2 submissions from 2 submitters: Uncertain significance (2). Last evaluated 2024-09-30.

Conditions:
Inborn genetic diseases. Identifiers: MedGen C0950123, MeSH D030342.

Allele frequency attached by ClinVar (database versions not stated): ExAC 0.00001; gnomAD exomes 0.00001; gnomAD 0.00003 and 0.00004; TOPMed 0.00006.
gnomAD v4.1: 20 of 1,607,942 alleles (0.0012%); highest among the groups gnomAD compares: Middle Eastern, 0.066%; no homozygotes.

Submissions (2):

Labcorp Genetics (formerly Invitae), Labcorp
Classification: Uncertain significance. Last evaluated: 2024-09-30. Review status: criteria provided, single submitter. Criteria: Invitae Variant Classification Sherloc (09022015). Collection method: clinical testing. Allele origin: germline.
Comment: This sequence change falls in intron 8 of the WDR62 gene. It does not directly change the encoded amino acid sequence of the WDR62 protein. It affects a nucleotide within the consensus splice site. This variant is present in population databases (rs765982883, gnomAD 0.003%). This variant has not been reported in the literature in individuals affected with WDR62-related conditions. ClinVar contains an entry for this variant (Variation ID: 1424610). Variants that disrupt the consensus splice site are a relatively common cause of aberrant splicing (PMID: 17576681, 9536098). Algorithms developed to predict the effect of sequence changes on RNA splicing suggest that this variant is not likely to affect RNA splicing. In summary, the available evidence is currently insufficient to determine the role of this variant in disease. Therefore, it has been classified as a Variant of Uncertain Significance.

Ambry Genetics
Classification: Uncertain significance for Inborn genetic diseases. Last evaluated: 2023-10-10. Review status: criteria provided, single submitter. Criteria: Ambry Variant Classification Scheme 2023. Collection method: clinical testing. Allele origin: germline.
Comment: The c.1043+6G>C intronic alteration consists of a G to C substitution nucleotides after coding exon 8 in the WDR62 gene. Based on insufficient or conflicting evidence, the clinical significance of this alteration remains unclear.

Literature cited by the submitters: PubMed 17576681 (cited by Labcorp Genetics (formerly Invitae), Labcorp); PubMed 9536098 (cited by Labcorp Genetics (formerly Invitae), Labcorp).